The following is an entry in ClinVar:

ClinVar aggregate classification (germline): Uncertain significance (1 of 4 stars; one submission).

Conditions:
Developmental and epileptic encephalopathy, 25 (DEE25). Also called: Developmental and epileptic encephalopathy 25, with amelogenesis imperfecta; Epileptic encephalopathy, early infantile, 25, with amelogenesis imperfecta; Epileptic encephalopathy, early infantile, 25. Identifiers: Orphanet 442835, MedGen C4014621, MONDO:0014392, OMIM 615905.

Allele frequency attached by ClinVar (database versions not stated): gnomAD exomes below 0.00001 and 0.00002.
gnomAD v4.1: 11 of 1,581,894 alleles (0.0007%); highest among the groups gnomAD compares: South Asian, 0.013%; no homozygotes.

Submission:

Labcorp Genetics (formerly Invitae), Labcorp
Classification: Uncertain significance for Developmental and epileptic encephalopathy, 25. Last evaluated: 2021-08-13. Review status: criteria provided, single submitter. Criteria: Invitae Variant Classification Sherloc (09022015). Collection method: clinical testing. Allele origin: germline.
Comment: This sequence change replaces glutamic acid with glycine at codon 171 of the SLC13A5 protein (p.Glu171Gly). The glutamic acid residue is moderately conserved and there is a moderate physicochemical difference between glutamic acid and glycine. This variant is not present in population databases (ExAC no frequency). This variant has not been reported in the literature in individuals affected with SLC13A5-related conditions. Algorithms developed to predict the effect of missense changes on protein structure and function are either unavailable or do not agree on the potential impact of this missense change (SIFT: "Tolerated"; PolyPhen-2: "Possibly Damaging"; Align-GVGD: "Class C0"). In summary, the available evidence is currently insufficient to determine the role of this variant in disease. Therefore, it has been classified as a Variant of Uncertain Significance.

NM_177550.5(SLC13A5):c.512A>G (p.Glu171Gly)

Gene: SLC13A5 (solute carrier family 13 member 5; minus strand). Cytogenetic location: 17p13.1.
Variant type: single nucleotide variant.
Coding change: c.512A>G on transcript NM_177550.5 (MANE Select); coding-DNA position 512, A replaced by G.
Protein change: p.Glu171Gly; replaces glutamic acid 171 with glycine.
Molecular consequence: missense variant.
Genome position (GRCh38, 1-based): chr17:6,703,913, T>C on the plus strand (A>G on the coding strand, the complement: SLC13A5 is on the minus strand). VCF-style: chr17-6703913-T-C. GRCh37 (hg19) VCF-style: chr17-6607232-T-C.
Other names: c.512A>G, p.Glu171Gly (NM_001143838.3); c.461A>G, p.Glu154Gly (NM_001284509.2); c.383A>G, p.Glu128Gly (NM_001284510.2); short protein forms E171G, E128G, E154G.
Identifiers: ClinVar variation 660383 (VCV000660383.6), dbSNP rs1412352155, ClinGen allele CA397749976.
Genomic context (GRCh38, chr17:6,703,913, plus strand): 5'-GGCAGTGCCCTGGCCAGGGGCTCACCTGGCAGCTCCTTGGCCTTGCCCTTGTCCACCAGC[T>C]CCAGGCCGGCCTCGGTGGCTGCGCTTGTGGCTTCCATCTGCTGCAATATGGCCTCCACGA-3'
Protein context (NP_808218.1, residues 161-181): ATSAATEAGL[Glu171Gly]LVDKGKAKEL